The following is an entry in ClinVar:

NM_004958.4(MTOR):c.1500dup (p.Ile501fs)

Gene: MTOR (mechanistic target of rapamycin kinase; minus strand). Cytogenetic location: 1p36.22.
Variant type: Duplication.
Coding change: c.1500dup on transcript NM_004958.4 (MANE Select); coding-DNA position 1500, one base duplicated (T; older notation c.1500dupT).
Protein change: p.Ile501fs; shifts the reading frame from isoleucine 501.
Molecular consequence: frameshift variant.
Genome position (GRCh38, 1-based): chr1:11,241,594, A duplicated on the plus strand (T on the coding strand, the reverse complement: MTOR is on the minus strand). VCF-style (leftmost placement, unchanged base first): chr1-11241593-T-TA. GRCh37 (hg19) VCF-style: chr1-11301650-T-TA.
Other names: c.1500dup, p.Ile501fs (NM_001386500.1); c.252dup, p.Ile85fs (NM_001386501.1); short protein forms I501fs, I85fs.
Identifiers: ClinVar variation 2638233 (VCV002638233.24), dbSNP rs2523341780, ClinGen allele CA2695197959.
Genomic context (GRCh38, chr1:11,241,593, plus strand): 5'-CTCAGGTTTCTGACACCCACCTTAGTCCCACTGCCAGCATGGGCTCCAGCAGCTCCTTGA[T>TA]ATCCTGCTGGATGCCTGGCCCCATTGCTCGAGCCAGCATGCTGATGCAAGTGAAGACTGT-3'

ClinVar aggregate classification (germline): Uncertain significance (1 of 4 stars; one submission).

Submission:

CeGaT Center for Human Genetics Tuebingen
Classification: Uncertain significance. Last evaluated: 2023-05-01. Review status: criteria provided, single submitter. Criteria: CeGaT Center For Human Genetics Tuebingen Variant Classification Criteria Version 2. Collection method: clinical testing. Allele origin: germline. Affected: yes. Observed: 1 variant allele.
Comment: MTOR: PM2